The following is an entry in ClinVar:

ClinVar aggregate classification (germline): Uncertain significance (1 of 4 stars; one submission).

Submission:

Women's Health and Genetics/Laboratory Corporation of America, LabCorp
Classification: Uncertain significance. Last evaluated: 2025-12-30. Review status: criteria provided, single submitter. Criteria: LabCorp Variant Classification Summary - May 2015. Collection method: clinical testing. Allele origin: germline.
Comment: Variant summary: BCAP31 c.-27_-26delinsAT is located in the untranslated mRNA region upstream of the initiation codon. Consensus agreement among computation tools predicts no significant impact on normal splicing. However, these predictions have yet to be confirmed by functional studies. The variant was absent in 1196694 control chromosomes (gnomAD v4.1). The available data on variant occurrences in the general population are insufficient to allow any conclusion about variant significance. To our knowledge, no occurrence of c.-27_-26delinsAT in individuals affected with BCAP31-related conditions and no experimental evidence demonstrating its impact on protein function have been reported. No submitters have cited clinical-significance assessments for this variant to ClinVar. Based on the evidence outlined above, the variant was classified as uncertain significance.

NM_001256447.2(BCAP31):c.-27_-26delinsAT

Gene: BCAP31 (B cell receptor associated protein 31; minus strand). Cytogenetic location: Xq28.
Variant type: Indel.
Coding change: c.-27_-26delinsAT on transcript NM_001256447.2 (MANE Select); 27 bases upstream of the start codon through 26 bases upstream of the start codon, TC replaced by AT.
Molecular consequence: 5 prime UTR variant. On other transcripts: missense variant (1).
Genome position (GRCh38, 1-based): chrX:153,723,270-153,723,271, GA replaced by AT on the plus strand (TC replaced by AT on the coding strand, the reverse complement: BCAP31 is on the minus strand). VCF-style: chrX-153723270-GA-AT. GRCh37 (hg19) VCF-style: chrX-152988725-GA-AT.
Other names: c.-27_-26delinsAT (NM_001139441.1, NM_005745.8); c.175_176delinsAT, p.Ser59Ile (NM_001139457.2); short protein forms S59I.
Identifiers: ClinVar variation 4688204 (VCV004688204.1).